The following is an entry in ClinVar:

NM_173854.6(SLC41A1):c.167A>G (p.Asn56Ser)

Gene: SLC41A1 (solute carrier family 41 member 1; minus strand). Cytogenetic location: 1q32.1.
Variant type: single nucleotide variant.
Coding change: c.167A>G on transcript NM_173854.6 (MANE Select); coding-DNA position 167, A replaced by G.
Protein change: p.Asn56Ser; replaces asparagine 56 with serine.
Molecular consequence: missense variant.
Genome position (GRCh38, 1-based): chr1:205,810,275, T>C on the plus strand (A>G on the coding strand, the complement: SLC41A1 is on the minus strand). VCF-style: chr1-205810275-T-C. GRCh37 (hg19) VCF-style: chr1-205779403-T-C.
Other names: c.167A>G (NM_173854.4); short protein forms N56S.
Identifiers: ClinVar variation 3708572 (VCV003708572.3).

ClinVar aggregate classification (germline): Uncertain significance. Review status: criteria provided, multiple submitters, no conflicts (2 of 4 stars). 2 submissions from 2 submitters: Uncertain significance (2). Last evaluated 2025-01-30.

Submissions (2):

Ambry Genetics
Classification: Uncertain significance. Last evaluated: 2025-01-30. Review status: criteria provided, single submitter. Criteria: Ambry Variant Classification Scheme 2023. Collection method: clinical testing. Allele origin: germline.

Labcorp Genetics (formerly Invitae), Labcorp
Classification: Uncertain significance. Last evaluated: 2024-04-25. Review status: criteria provided, single submitter. Criteria: Invitae Variant Classification Sherloc (09022015). Collection method: clinical testing. Allele origin: germline.
Comment: This sequence change replaces asparagine, which is neutral and polar, with serine, which is neutral and polar, at codon 56 of the SLC41A1 protein (p.Asn56Ser). This variant is present in population databases (rs374381413, gnomAD 0.004%). This variant has not been reported in the literature in individuals affected with SLC41A1-related conditions. An algorithm developed to predict the effect of missense changes on protein structure and function (PolyPhen-2) suggests that this variant is likely to be disruptive. In summary, the available evidence is currently insufficient to determine the role of this variant in disease. Therefore, it has been classified as a Variant of Uncertain Significance.